The following is an entry in ClinVar:

NM_172107.4(KCNQ2):c.58C>G (p.Leu20Val)

Gene: KCNQ2 (potassium voltage-gated channel subfamily Q member 2; minus strand). Cytogenetic location: 20q13.33.
Variant type: single nucleotide variant.
Coding change: c.58C>G on transcript NM_172107.4 (MANE Select); coding-DNA position 58, C replaced by G.
Protein change: p.Leu20Val; replaces leucine 20 with valine.
Molecular consequence: missense variant.
Genome position (GRCh38, 1-based): chr20:63,472,406, G>C on the plus strand (C>G on the coding strand, the complement: KCNQ2 is on the minus strand). VCF-style: chr20-63472406-G-C. GRCh37 (hg19) VCF-style: chr20-62103759-G-C.
Other names: c.58C>G, p.Leu20Val (NM_001382235.1, NM_004518.6, NM_172106.3 and 2 more transcripts); short protein forms L20V.
Identifiers: ClinVar variation 1469707 (VCV001469707.7), dbSNP rs868492349, ClinGen allele CA317423930.

ClinVar aggregate classification (germline): Uncertain significance (1 of 4 stars; one submission).

Conditions:
Early-infantile DEE. Also called: Ohtahara syndrome; Early infantile epileptic encephalopathy with suppression bursts; Early infantile epileptic encephalopathy. Identifiers: Orphanet 1934, MedGen C0393706, MONDO:0800491.

Allele frequency attached by ClinVar (database versions not stated): gnomAD exomes below 0.00001; gnomAD 0.00001; TOPMed 0.00001.
gnomAD v4.1: 3 of 1,538,902 alleles (0.00019%); highest among the groups gnomAD compares: African/African-American, 0.0042%; no homozygotes.

Submission:

Labcorp Genetics (formerly Invitae), Labcorp
Classification: Uncertain significance for Early-infantile DEE. Last evaluated: 2022-08-09. Review status: criteria provided, single submitter. Criteria: Invitae Variant Classification Sherloc (09022015). Collection method: clinical testing. Allele origin: germline.
Comment: Algorithms developed to predict the effect of sequence changes on RNA splicing suggest that this variant may create or strengthen a splice site. In summary, the available evidence is currently insufficient to determine the role of this variant in disease. Therefore, it has been classified as a Variant of Uncertain Significance. Algorithms developed to predict the effect of missense changes on protein structure and function (SIFT, PolyPhen-2, Align-GVGD) all suggest that this variant is likely to be tolerated. ClinVar contains an entry for this variant (Variation ID: 1469707). This variant has not been reported in the literature in individuals affected with KCNQ2-related conditions. This variant is present in population databases (no rsID available, gnomAD 0.01%). This sequence change replaces leucine, which is neutral and non-polar, with valine, which is neutral and non-polar, at codon 20 of the KCNQ2 protein (p.Leu20Val).